The following is an entry in ClinVar:

NM_022836.4(DCLRE1B):c.1597T>C (p.Ter533Arg)

Gene: DCLRE1B (DNA cross-link repair 1B; plus strand). Cytogenetic location: 1p13.2.
Variant type: single nucleotide variant.
Coding change: c.1597T>C on transcript NM_022836.4 (MANE Select); coding-DNA position 1597, T replaced by C.
Protein change: p.Ter533Arg.
Molecular consequence: stop lost. On other transcripts: 3 prime UTR variant (2).
Genome position (GRCh38, 1-based): chr1:113,912,189, T>C. VCF-style: chr1-113912189-T-C. GRCh37 (hg19) VCF-style: chr1-114454811-T-C.
Other names: c.1219T>C, p.Ter407Arg (NM_001319946.2, NM_001319947.2); c.*32T>C (NM_001363690.2, NM_001363691.2).
Identifiers: ClinVar variation 1014253 (VCV001014253.6), dbSNP rs748342283, ClinGen allele CA28981385.
Genomic context (GRCh38, chr1:113,912,189, plus strand): 5'-CAGGCAGGGTATTCTTCCAGGAGATTTGACCAGCAAGTGGAAAAATACCATAAACCCTGC[T>C]GAAGACAGGAGAGTACAGAATGACAACATTGAGCCCACACTGCAGTTTTGAAGATAGTAA-3'

ClinVar aggregate classification (germline): Uncertain significance (1 of 4 stars; one submission).

Conditions:
Hoyeraal-Hreidarsson syndrome (HHS). Also called: CEREBELLAR HYPOPLASIA WITH PANCYTOPENIA. Identifiers: Orphanet 3322, MedGen C1846142, MONDO:0018045.
Autosomal recessive dyskeratosis congenita. Identifiers: MedGen C3502105.

Allele frequency attached by ClinVar (database versions not stated): gnomAD exomes below 0.00001 and 0.00001; TOPMed below 0.00001; gnomAD 0.00001.
gnomAD v4.1: 10 of 1,607,996 alleles (0.00062%); highest among the groups gnomAD compares: African/African-American, 0.0013%; no homozygotes.

Submission:

Labcorp Genetics (formerly Invitae), Labcorp
Classification: Uncertain significance for Hoyeraal-Hreidarsson syndrome; Autosomal recessive dyskeratosis congenita. Last evaluated: 2021-09-01. Review status: criteria provided, single submitter. Criteria: Invitae Variant Classification Sherloc (09022015). Collection method: clinical testing. Allele origin: germline.
Comment: This sequence change disrupts the translational stop signal of the DCLRE1B mRNA. It is expected to extend the length of the DCLRE1B protein by 7 additional amino acid residues. This variant is not present in population databases (ExAC no frequency). This variant has not been reported in the literature in individuals affected with DCLRE1B-related conditions. Experimental studies and prediction algorithms are not available or were not evaluated, and the functional significance of this variant is currently unknown. In summary, the available evidence is currently insufficient to determine the role of this variant in disease. Therefore, it has been classified as a Variant of Uncertain Significance.